The following is an entry in ClinVar:

NM_020911.2(PLXNA4):c.5513G>A (p.Arg1838Gln)

Gene: PLXNA4 (plexin A4; minus strand). Cytogenetic location: 7q32.3.
Variant type: single nucleotide variant.
Coding change: c.5513G>A on transcript NM_020911.2 (MANE Select); coding-DNA position 5513, G replaced by A.
Protein change: p.Arg1838Gln; replaces arginine 1838 with glutamine.
Molecular consequence: missense variant.
Genome position (GRCh38, 1-based): chr7:132,133,125, C>T on the plus strand (G>A on the coding strand, the complement: PLXNA4 is on the minus strand). VCF-style: chr7-132133125-C-T. GRCh37 (hg19) VCF-style: chr7-131817884-C-T.
Other names: c.5513G>A, p.Arg1838Gln (NM_001393897.1); short protein forms R1838Q.
Identifiers: ClinVar variation 3032706 (VCV003032706.2), dbSNP rs763670879, ClinGen allele CA4488883.

ClinVar aggregate classification (germline): Uncertain significance (0 of 4 stars; one submission).

Conditions:
PLXNA4-related disorder. Also called: PLXNA4-related condition.

Allele frequency attached by ClinVar (database versions not stated): ExAC 0.00001; gnomAD exomes 0.00001; gnomAD 0.00002; TOPMed 0.00002.
gnomAD v4.1: 19 of 1,614,028 alleles (0.0012%); highest among the groups gnomAD compares: East Asian, 0.0022%; no homozygotes.

Submission:

PreventionGenetics, part of Exact Sciences
Classification: Uncertain significance for PLXNA4-related condition. Last evaluated: 2024-06-17. Review status: no assertion criteria provided. Collection method: clinical testing. Allele origin: germline.
Comment: The PLXNA4 c.5513G>A variant is predicted to result in the amino acid substitution p.Arg1838Gln. To our knowledge, this variant has not been reported in the literature. This variant is reported in 0.0065% of alleles in individuals of South Asian descent in gnomAD. At this time, the clinical significance of this variant is uncertain due to the absence of conclusive functional and genetic evidence.